The following is an entry in ClinVar:

ClinVar aggregate classification (germline): Benign/Likely benign. Review status: criteria provided, multiple submitters, no conflicts (2 of 4 stars). 4 submissions from 4 submitters: Benign (1); Likely benign (2). 1 of the submissions does not count toward it. Last evaluated 2026-01-03.

Conditions:
DNAI2-related disorder. Also called: DNAI2-related condition.
Primary ciliary dyskinesia. Also called: Ciliary dyskinesia. Identifiers: Orphanet 244, MedGen C0008780, MONDO:0016575, HP:0012265.

Allele frequency attached by ClinVar (database versions not stated): gnomAD 0.00006; gnomAD exomes 0.00008 and 0.00042; TOPMed 0.00013; ExAC 0.00029.
gnomAD v4.1: 127 of 1,613,794 alleles (0.0079%); highest among the groups gnomAD compares: Admixed American, 0.21%; 2 homozygotes.

Submissions (4):

Labcorp Genetics (formerly Invitae), Labcorp
Classification: Benign for Primary ciliary dyskinesia. Last evaluated: 2026-01-03. Review status: criteria provided, single submitter. Criteria: Invitae Variant Classification Sherloc (09022015). Collection method: clinical testing. Allele origin: germline.

PreventionGenetics, part of Exact Sciences
Classification: Likely benign for DNAI2-related condition. Last evaluated: 2025-08-12. Review status: criteria provided, single submitter. Criteria: ACMG Guidelines, 2015. Collection method: clinical testing. Allele origin: germline.
Comment: This variant is classified as likely benign based on ACMG/AMP sequence variant interpretation guidelines (Richards et al. 2015 PMID: 25741868, with internal and published modifications).

Ambry Genetics
Classification: Likely benign for Primary ciliary dyskinesia. Last evaluated: 2016-10-11. Review status: criteria provided, single submitter. Criteria: Ambry Variant Classification Scheme 2023. Collection method: clinical testing. Allele origin: germline.

Natera, Inc.
Classification: Likely benign for Primary ciliary dyskinesia. Last evaluated: 2020-01-27. Review status: no assertion criteria provided. Collection method: clinical testing. Allele origin: germline. Not counted in ClinVar's aggregate classification.

NM_023036.6(DNAI2):c.396G>A (p.Glu132=)

Gene: DNAI2 (dynein axonemal intermediate chain 2; plus strand). Cytogenetic location: 17q25.1.
Variant type: single nucleotide variant.
Coding change: c.396G>A on transcript NM_023036.6 (MANE Select); coding-DNA position 396, G replaced by A.
Protein change: p.Glu132=; no amino-acid change (glutamic acid 132 retained).
Molecular consequence: synonymous variant.
Genome position (GRCh38, 1-based): chr17:74,287,027, G>A. VCF-style: chr17-74287027-G-A. GRCh37 (hg19) VCF-style: chr17-72283166-G-A.
Other names: c.396G>A, p.Glu132= (NM_001172810.3, NM_001353167.2).
Identifiers: ClinVar variation 699137 (VCV000699137.18), dbSNP rs777369529, ClinGen allele CA8745349.
Genomic context (GRCh38, chr17:74,287,027, plus strand): 5'-TCCCCCCTAGATCATGGAGCACTGCATCAAGCAGAACAATGCCATTGACATCTATGAAGA[G>A]TATTTCAATGACGAGGAGGCCATGGAAGTGATGGAGGAGGACCCTTCAGCTAAAACCATC-3'
Protein context (NP_075462.3, residues 122-142): KQNNAIDIYE[Glu132=]YFNDEEAMEV